The following is an entry in ClinVar:

NM_006218.4(PIK3CA):c.1447G>C (p.Val483Leu)

Gene: PIK3CA (phosphatidylinositol-4,5-bisphosphate 3-kinase catalytic subunit alpha; plus strand). Cytogenetic location: 3q26.32.
Variant type: single nucleotide variant.
Coding change: c.1447G>C on transcript NM_006218.4 (MANE Select); coding-DNA position 1447, G replaced by C.
Protein change: p.Val483Leu; replaces valine 483 with leucine.
Molecular consequence: missense variant.
Genome position (GRCh38, 1-based): chr3:179,210,473, G>C. VCF-style: chr3-179210473-G-C. GRCh37 (hg19) VCF-style: chr3-178928261-G-C.
Other names: c.1447G>C (LRG_310t1); short protein forms V483L.
Identifiers: ClinVar variation 653249 (VCV000653249.9), dbSNP rs991307659, ClinGen allele CA88522722.

ClinVar aggregate classification (germline): Uncertain significance (1 of 4 stars; one submission).

Conditions:
Cowden syndrome (CS). Also called: Cowden's disease; Cowden's syndrome; Cowden disease. Identifiers: Orphanet 201, MedGen C0018553, MONDO:0016063. Disease mechanism: gain of function.

Allele frequency attached by ClinVar (database versions not stated): gnomAD 0.00001; TOPMed 0.00002.

Submission:

Labcorp Genetics (formerly Invitae), Labcorp
Classification: Uncertain significance for Cowden syndrome. Last evaluated: 2018-11-01. Review status: criteria provided, single submitter. Criteria: Invitae Variant Classification Sherloc (09022015). Collection method: clinical testing. Allele origin: germline.
Comment: In summary, the available evidence is currently insufficient to determine the role of this variant in disease. Therefore, it has been classified as a Variant of Uncertain Significance. Algorithms developed to predict the effect of missense changes on protein structure and function (SIFT, PolyPhen-2, Align-GVGD) all suggest that this variant is likely to be tolerated, but these predictions have not been confirmed by published functional studies and their clinical significance is uncertain. This variant has not been reported in the literature in individuals with PIK3CA-related disease. This variant is not present in population databases (ExAC no frequency). This sequence change replaces valine with leucine at codon 483 of the PIK3CA protein (p.Val483Leu). The valine residue is weakly conserved and there is a small physicochemical difference between valine and leucine.